The following is an entry in ClinVar:

ClinVar aggregate classification (germline): Likely pathogenic (1 of 4 stars; one submission).

Conditions:
Charcot-Marie-Tooth disease type 2. Also called: Charcot-Marie-Tooth type 2. Identifiers: Orphanet 64746, MedGen C0270914, MONDO:0018993.

Submission:

Labcorp Genetics (formerly Invitae), Labcorp
Classification: Likely pathogenic for Charcot-Marie-Tooth disease type 2. Last evaluated: 2022-08-18. Review status: criteria provided, single submitter. Criteria: Invitae Variant Classification Sherloc (09022015). Collection method: clinical testing. Allele origin: germline.
Comment: In summary, the currently available evidence indicates that the variant is pathogenic, but additional data are needed to prove that conclusively. Therefore, this variant has been classified as Likely Pathogenic. This variant has not been reported in the literature in individuals affected with LMNA-related conditions. This variant results in a copy number gain of the genomic region encompassing exon(s) 2-10 of the LMNA gene. While the exact position of this variant cannot be determined from the data, sub-genic copy number gains are generally in tandem (PMID: 25640679). This variant is predicted to be out-of-frame, and may result in an absent or disrupted protein product. Loss-of-function variants in LMNA are known to be pathogenic (PMID: 18585512, 18926329).

Literature cited by the submitters: PubMed 25640679; PubMed 18585512; PubMed 18926329.

NC_000001.10:g.(?_156100388)_(156107554_?)dup

Gene: LMNA (lamin A/C; plus strand). Cytogenetic location: 1q22.
Variant type: Duplication.
Identifiers: ClinVar variation 2427466 (VCV002427466.4).